The following is an entry in ClinVar:

ClinVar aggregate classification (germline): Uncertain significance (1 of 4 stars; one submission).

Submission:

Labcorp Genetics (formerly Invitae), Labcorp
Classification: Uncertain significance. Last evaluated: 2025-01-14. Review status: criteria provided, single submitter. Criteria: Invitae Variant Classification Sherloc (09022015). Collection method: clinical testing. Allele origin: germline.
Comment: This sequence change creates a premature translational stop signal (p.Pro53Alafs*38) in the CHCHD2 gene. It is expected to result in an absent or disrupted protein product. However, the current clinical and genetic evidence is not sufficient to establish whether loss-of-function variants in CHCHD2 cause disease. This variant is not present in population databases (gnomAD no frequency). This premature translational stop signal has been observed in individual(s) with Parkinson disease (PMID: 35861376). In summary, the available evidence is currently insufficient to determine the role of this variant in disease. Therefore, it has been classified as a Variant of Uncertain Significance.

Literature cited by the submitters: PubMed 35861376.

NM_016139.4(CHCHD2):c.153_156dup (p.Pro53fs)

Gene: CHCHD2 (coiled-coil-helix-coiled-coil-helix domain containing 2; minus strand). Cytogenetic location: 7p11.2.
Variant type: Duplication.
Coding change: c.153_156dup on transcript NM_016139.4 (MANE Select); coding-DNA positions 153 to 156, 4 bases duplicated (GCAG; older notation c.153_156dupGCAG).
Protein change: p.Pro53fs; shifts the reading frame from proline 53.
Molecular consequence: frameshift variant.
Genome position (GRCh38, 1-based): chr7:56,104,370-56,104,373, CTGC duplicated on the plus strand (GCAG on the coding strand, the reverse complement: CHCHD2 is on the minus strand); duplicating any 4 consecutive bases within chr7:56,104,370-56,104,374 gives the same sequence; the c. name uses the placement nearest the transcript's 3' end. VCF-style (leftmost placement, unchanged base first): chr7-56104369-G-GCTGC. GRCh37 (hg19) VCF-style: chr7-56172062-G-GCTGC.
Other names: c.153_156dup, p.Pro53fs (NM_001320327.2); short protein forms P53fs.
Identifiers: ClinVar variation 3673940 (VCV003673940.2).